The following is an entry in ClinVar:

ClinVar aggregate classification (germline): Uncertain significance (0 of 4 stars; one submission).

Conditions:
Breast ductal adenocarcinoma. Also called: Ductal breast carcinoma; Breast cancer, invasive ductal. Identifiers: MedGen C1527349, MONDO:0005590.

Submission:

Next Generation Diagnostics, Novartis Institutes for BioMedical Research, Inc.
Classification: Uncertain significance for Breast ductal adenocarcinoma. Last evaluated: 2015-07-20. Review status: no assertion criteria provided. Collection method: research. Allele origin: somatic. Affected: yes.
Comment: Loss of heterozygosity

Single allele

Genes: COL5A3 (collagen type V alpha 3 chain; minus strand), FBXL12 (F-box and leucine rich repeat protein 12; minus strand), MUC16 (mucin 16, cell surface associated; minus strand), OLFM2 (olfactomedin 2; minus strand), OR1M1 (olfactory receptor family 1 subfamily M member 1; plus strand) and 20 more. Cytogenetic location: 19p13.2.
Variant type: Complex.
Identifiers: ClinVar variation 221349 (VCV000221349.2).